The following is an entry in ClinVar:

ClinVar aggregate classification (germline): Likely benign (1 of 4 stars; one submission).

Conditions:
Breast-ovarian cancer, familial, susceptibility to, 1 (BROVCA1). Also called: OVARIAN CANCER, SUSCEPTIBILITY TO; BRCA1 Hereditary Breast and Ovarian Cancer. Identifiers: Orphanet 145, MedGen C2676676, MONDO:0011450, OMIM 604370. Disease mechanism: loss of function.

gnomAD v4.1: 1 of 1,614,070 alleles (0.000062%); highest among the groups gnomAD compares: Non-Finnish European, 0.000085%; no homozygotes.

Submission:

Cancer Bioinformatics and Tumour Evolution Laboratory, Monash University
Classification: Likely benign for Breast-ovarian cancer, familial, susceptibility to, 1. Last evaluated: 2026-05-01. Review status: criteria provided, single submitter. Criteria: ClinGen BRCA1 and BRCA2 Guidelines, 2024. Collection method: curation. Allele origin: germline. Inheritance: Autosomal dominant inheritance.
Comment: Missense variant outside of a functional domain with no splice impact. BRCA1 and BRCA2 VCEP guidelines recommend application of BP1_Strong (PMID: 39142283)

NM_007294.4(BRCA1):c.3521C>A (p.Ser1174Tyr)

Genes: BRCA1 (BRCA1 DNA repair associated; minus strand), LOC126862571 (BRD4-independent group 4 enhancer GRCh37_chr17:41243136-41244335; plus strand). Cytogenetic location: 17q21.31.
Variant type: single nucleotide variant.
Coding change: c.3521C>A on transcript NM_007294.4 (MANE Select); coding-DNA position 3521, C replaced by A.
Protein change: p.Ser1174Tyr; replaces serine 1174 with tyrosine.
Molecular consequence: missense variant. On other transcripts: intron variant (135).
Genome position (GRCh38, 1-based): chr17:43,092,010, G>T on the plus strand (C>A on the coding strand, the complement: BRCA1 is on the minus strand). VCF-style: chr17-43092010-G-T. GRCh37 (hg19) VCF-style: chr17-41244027-G-T.
Other names: c.3377C>A, p.Ser1126Tyr (NM_001407964.1, NM_001407748.1, NM_001407749.1 and 20 more transcripts); c.3017C>A, p.Ser1006Tyr (NM_001407965.1); c.2633C>A, p.Ser878Tyr (NM_001407966.1, NM_001407967.1); c.917C>A, p.Ser306Tyr (NM_001407968.1, NM_001407969.1); c.3380C>A, p.Ser1127Tyr (NM_007297.4, NM_001407750.1, NM_001407751.1 and 29 more transcripts); c.3521C>A, p.Ser1174Tyr (NM_007300.4, NM_001407854.1, NM_001407858.1 and 30 more transcripts); c.575-978C>A (NM_001408493.1, NM_001408490.1, NM_001408491.1); c.455-978C>A (NM_001408502.1); and 41 more; short protein forms S1006Y, S1046Y, S1047Y, S1062Y, S1063Y, S1085Y, S1086Y, S1103Y.
Identifiers: ClinVar variation 4856557 (VCV004856557.1).